The following is an entry in ClinVar:

ClinVar aggregate classification (germline): Benign/Likely benign. Review status: criteria provided, multiple submitters, no conflicts (2 of 4 stars). 4 submissions from 4 submitters: Benign (1); Likely benign (3). Last evaluated 2026-02-01.

Conditions:
Primary ciliary dyskinesia. Also called: Ciliary dyskinesia. Identifiers: Orphanet 244, MedGen C0008780, MONDO:0016575, HP:0012265.

Allele frequency attached by ClinVar (database versions not stated): gnomAD exomes 0.00002; ExAC 0.00003; gnomAD 0.00003; TOPMed 0.00003; ESP Exome Variant Server 0.00008.
gnomAD v4.1: 39 of 1,573,084 alleles (0.0025%); highest among the groups gnomAD compares: Non-Finnish European, 0.0031%; no homozygotes.

Submissions (4):

CeGaT Center for Human Genetics Tuebingen
Classification: Likely benign. Last evaluated: 2026-02-01. Review status: criteria provided, single submitter. Criteria: CeGaT Center For Human Genetics Tuebingen Variant Classification Criteria Version 2. Collection method: clinical testing. Allele origin: germline. Affected: yes. Observed: 1 variant allele.
Comment: DNAH11: BP4, BP7

Ambry Genetics
Classification: Likely benign for Primary ciliary dyskinesia. Last evaluated: 2025-07-06. Review status: criteria provided, single submitter. Criteria: Ambry Variant Classification Scheme 2023. Collection method: clinical testing. Allele origin: germline.

Labcorp Genetics (formerly Invitae), Labcorp
Classification: Benign for Primary ciliary dyskinesia. Last evaluated: 2023-11-18. Review status: criteria provided, single submitter. Criteria: Invitae Variant Classification Sherloc (09022015). Collection method: clinical testing. Allele origin: germline.

Blueprint Genetics
Classification: Likely benign. Last evaluated: 2023-09-21. Review status: criteria provided, single submitter. Criteria: ACMG Guidelines, 2015. Collection method: clinical testing. Allele origin: germline.

NM_001277115.2(DNAH11):c.9306C>T (p.Gly3102=)

Gene: DNAH11 (dynein axonemal heavy chain 11; plus strand). Cytogenetic location: 7p15.3.
Variant type: single nucleotide variant.
Coding change: c.9306C>T on transcript NM_001277115.2 (MANE Select); coding-DNA position 9306, C replaced by T.
Protein change: p.Gly3102=; no amino-acid change (glycine 3102 retained).
Molecular consequence: synonymous variant.
Genome position (GRCh38, 1-based): chr7:21,773,969, C>T. VCF-style: chr7-21773969-C-T. GRCh37 (hg19) VCF-style: chr7-21813587-C-T.
Other names: c.9306C>T (NM_001277115.1); c.9327C>T, p.Gly3109= (NM_003777.3).
Identifiers: ClinVar variation 2723691 (VCV002723691.9), dbSNP rs369831641, ClinGen allele CA4181919.